The following is an entry in ClinVar:

NC_000002.12:g.121530960C>T

Genes: CLASP1 (cytoplasmic linker associated protein 1; minus strand), CLASP1-AS1 (CLASP1 antisense RNA 1; plus strand), RNU4ATAC (RNA, U4atac small nuclear; plus strand). Cytogenetic location: 2q14.2.
Variant type: single nucleotide variant.
Molecular consequence: intron variant (on NM_001395891.1).
Genome position: GRCh38 VCF-style: chr2-121530960-C-T. GRCh37 (hg19) VCF-style: chr2-122288536-C-T.
Other names: c.196-635G>A (NM_001142274.2, NM_015282.3, NM_001378003.1 and 5 more transcripts).
Identifiers: ClinVar variation 1375704 (VCV001375704.4), dbSNP rs536019130, ClinGen allele CA54810933.
Genomic context (GRCh38, chr2:121,530,960, plus strand): 5'-TGCGCTACTGTCCAATGAGCGCATAGTGAGGGCAGTACTGCTAACGCCTGAACAACACAC[C>T]CGCATCAACTAGAGCTTTTGCTTTATTTTGGTGCAATTTTTGGAAAAATGAAAACCTGTT-3'

ClinVar aggregate classification (germline): Uncertain significance (1 of 4 stars; one submission).

Allele frequency attached by ClinVar (database versions not stated): TOPMed 0.00013.
gnomAD v4.1: 44 of 700,390 alleles (0.0063%); highest among the groups gnomAD compares: African/African-American, 0.04%; 2 homozygotes.

Submission:

Labcorp Genetics (formerly Invitae), Labcorp
Classification: Uncertain significance. Last evaluated: 2024-01-08. Review status: criteria provided, single submitter. Criteria: Invitae Variant Classification Sherloc (09022015). Collection method: clinical testing. Allele origin: germline.
Comment: This variant occurs in the RNU4ATAC gene, which encodes an RNA molecule that does not result in a protein product. This variant is present in population databases (rs536019130, gnomAD 0.03%). This variant has not been reported in the literature in individuals affected with RNU4ATAC-related conditions. ClinVar contains an entry for this variant (Variation ID: 1375704). Experimental studies and prediction algorithms are not available or were not evaluated, and the functional significance of this variant is currently unknown. In summary, the available evidence is currently insufficient to determine the role of this variant in disease. Therefore, it has been classified as a Variant of Uncertain Significance.